The following is an entry in ClinVar:

ClinVar aggregate classification (germline): Likely benign. Review status: criteria provided, single submitter (1 of 4 stars). 2 submissions from 2 submitters: Likely benign (1). 1 of the submissions does not count toward it. Last evaluated 2025-02-24.

Conditions:
ENPP1-related disorder. Also called: ENPP1-related condition; ENPP1-related disorders.

Allele frequency attached by ClinVar (database versions not stated): gnomAD 0.00003; ExAC 0.00004; TOPMed 0.00005; gnomAD exomes 0.00006.
gnomAD v4.1: 90 of 1,613,894 alleles (0.0056%); highest among the groups gnomAD compares: Non-Finnish European, 0.0072%; no homozygotes.

Submissions (2):

Labcorp Genetics (formerly Invitae), Labcorp
Classification: Likely benign. Last evaluated: 2025-02-24. Review status: criteria provided, single submitter. Criteria: Invitae Variant Classification Sherloc (09022015). Collection method: clinical testing. Allele origin: germline.

PreventionGenetics, part of Exact Sciences
Classification: Likely benign for ENPP1-related condition. Last evaluated: 2019-06-13. Review status: no assertion criteria provided. Collection method: clinical testing. Allele origin: germline. Not counted in ClinVar's aggregate classification.
Comment: This variant is classified as likely benign based on ACMG/AMP sequence variant interpretation guidelines (Richards et al. 2015 PMID: 25741868, with internal and published modifications).

NM_006208.3(ENPP1):c.2643G>A (p.Leu881=)

Gene: ENPP1 (ectonucleotide pyrophosphatase/phosphodiesterase 1; plus strand). Cytogenetic location: 6q23.2.
Variant type: single nucleotide variant.
Coding change: c.2643G>A on transcript NM_006208.3 (MANE Select); coding-DNA position 2643, G replaced by A.
Protein change: p.Leu881=; no amino-acid change (leucine 881 retained).
Molecular consequence: synonymous variant.
Genome position (GRCh38, 1-based): chr6:131,890,376, G>A. VCF-style: chr6-131890376-G-A. GRCh37 (hg19) VCF-style: chr6-132211516-G-A.
Other names: c.2643G>A (NM_006208.2).
Identifiers: ClinVar variation 2183460 (VCV002183460.6), dbSNP rs780184732, ClinGen allele CA4002602.